The following is an entry in ClinVar:

ClinVar aggregate classification (germline): Conflicting classifications of pathogenicity. Review status: criteria provided, conflicting classifications (1 of 4 stars). 3 submissions from 3 submitters: Uncertain significance (2); Likely benign (1). Last evaluated 2026-03-01.

Conditions:
Inborn genetic diseases. Identifiers: MedGen C0950123, MeSH D030342.

Allele frequency attached by ClinVar (database versions not stated): TOPMed 0.00006; gnomAD 0.00007; ESP Exome Variant Server 0.00008.
gnomAD v4.1: 212 of 1,613,748 alleles (0.013%); highest among the groups gnomAD compares: Non-Finnish European, 0.017%; no homozygotes.

Submissions (3):

CeGaT Center for Human Genetics Tuebingen
Classification: Likely benign. Last evaluated: 2026-03-01. Review status: criteria provided, single submitter. Criteria: CeGaT Center For Human Genetics Tuebingen Variant Classification Criteria Version 2. Collection method: clinical testing. Allele origin: germline. Affected: yes. Observed: 1 variant allele.
Comment: WNK4: BS2

Ambry Genetics
Classification: Uncertain significance for Inborn genetic diseases. Last evaluated: 2025-10-22. Review status: criteria provided, single submitter. Criteria: Ambry Variant Classification Scheme 2023. Collection method: clinical testing. Allele origin: germline.

Labcorp Genetics (formerly Invitae), Labcorp
Classification: Uncertain significance. Last evaluated: 2024-02-17. Review status: criteria provided, single submitter. Criteria: Invitae Variant Classification Sherloc (09022015). Collection method: clinical testing. Allele origin: germline.
Comment: This sequence change replaces arginine, which is basic and polar, with proline, which is neutral and non-polar, at codon 414 of the WNK4 protein (p.Arg414Pro). This variant is present in population databases (rs370300499, gnomAD 0.008%). This variant has not been reported in the literature in individuals affected with WNK4-related conditions. ClinVar contains an entry for this variant (Variation ID: 2519971). Experimental studies and prediction algorithms are not available or were not evaluated, and the functional significance of this variant is currently unknown. In summary, the available evidence is currently insufficient to determine the role of this variant in disease. Therefore, it has been classified as a Variant of Uncertain Significance.

NM_032387.5(WNK4):c.1241G>C (p.Arg414Pro)

Gene: WNK4 (WNK lysine deficient protein kinase 4; plus strand). Cytogenetic location: 17q21.2.
Variant type: single nucleotide variant.
Coding change: c.1241G>C on transcript NM_032387.5 (MANE Select); coding-DNA position 1241, G replaced by C.
Protein change: p.Arg414Pro; replaces arginine 414 with proline.
Molecular consequence: missense variant. On other transcripts: intron variant (1).
Genome position (GRCh38, 1-based): chr17:42,785,167, G>C. VCF-style: chr17-42785167-G-C. GRCh37 (hg19) VCF-style: chr17-40937185-G-C.
Other names: c.252-99G>C (NM_001321299.2); short protein forms R414P.
Identifiers: ClinVar variation 2519971 (VCV002519971.9), dbSNP rs370300499, ClinGen allele CA8583925.